The following is an entry in ClinVar:

NM_002474.3(MYH11):c.5206G>T (p.Ala1736Ser)

Genes: MYH11 (myosin heavy chain 11; minus strand), NDE1 (nudE neurodevelopment protein 1; plus strand). Cytogenetic location: 16p13.11.
Variant type: single nucleotide variant.
Coding change: c.5206G>T on transcript NM_002474.3 (MANE Select); coding-DNA position 5206, G replaced by T.
Protein change: p.Ala1736Ser; replaces alanine 1736 with serine.
Molecular consequence: missense variant. On other transcripts: intron variant (2).
Genome position (GRCh38, 1-based): chr16:15,718,404, C>A on the plus strand (G>T on the coding strand, the complement: MYH11 is on the minus strand). VCF-style: chr16-15718404-C-A. GRCh37 (hg19) VCF-style: chr16-15812261-C-A.
Other names: c.5227G>T, p.Ala1743Ser (NM_001040113.2, NM_001040114.2); c.5206G>T, p.Ala1736Ser (NM_022844.3); c.948-5787C>A (NM_001143979.2, NM_017668.3); short protein forms A1736S, A1743S.
Identifiers: ClinVar variation 3893756 (VCV003893756.1).

ClinVar aggregate classification (germline): Uncertain significance (1 of 4 stars; one submission).

Conditions:
Familial thoracic aortic aneurysm and aortic dissection (TAAD). Also called: Thoracic aortic aneurysms and dissections. Identifiers: Orphanet 91387, MedGen C4707243, MONDO:0019625.

gnomAD v4.1: 1 of 1,593,074 alleles (0.000063%); highest among the groups gnomAD compares: East Asian, 0.0022%; no homozygotes.

Submission:

Color Diagnostics, LLC DBA Color Health
Classification: Uncertain significance for Familial thoracic aortic aneurysm and aortic dissection. Last evaluated: 2024-04-15. Review status: criteria provided, single submitter. Criteria: ACMG Guidelines, 2015. Collection method: clinical testing. Allele origin: germline.
Comment: This missense variant replaces alanine with serine at codon 1743 of the MYH11 protein. Computational prediction suggests that this variant may not impact protein structure and function (internally defined REVEL score threshold <= 0.5, PMID: 27666373). To our knowledge, functional studies have not been reported for this variant. This variant has not been reported in individuals affected with MYH11-related disorders in the literature. This variant has not been identified in the general population by the Genome Aggregation Database (gnomAD). The available evidence is insufficient to determine the role of this variant in disease conclusively. Therefore, this variant is classified as a Variant of Uncertain Significance.